The following is an entry in ClinVar:

NM_006939.4(SOS2):c.714+266G>A

Gene: SOS2 (SOS Ras/Rho guanine nucleotide exchange factor 2; minus strand). Cytogenetic location: 14q21.3.
Variant type: single nucleotide variant.
Coding change: c.714+266G>A on transcript NM_006939.4 (MANE Select); 266 bases into the intron after coding-DNA position 714, G replaced by A.
Molecular consequence: intron variant.
Genome position (GRCh38, 1-based): chr14:50,188,231, C>T on the plus strand (G>A on the coding strand, the complement: SOS2 is on the minus strand). VCF-style: chr14-50188231-C-T. GRCh37 (hg19) VCF-style: chr14-50654949-C-T.
Identifiers: ClinVar variation 561835 (VCV000561835.1), dbSNP rs7157329, ClinGen allele CA13958713.
Genomic context (GRCh38, chr14:50,188,231, plus strand): 5'-GGCAGGTGGATCACTTGAGGTCGGCAGTTTGAGACCAGCCTGGCCAATATGAAGAAACCC[C>T]ATCTCTACTAAAAATATAAAAAAATTAGCCGATTGTGGTGGTGCATGCCTCTAATCCCAG-3'

ClinVar aggregate classification (germline): Benign (1 of 4 stars; one submission).

Allele frequency attached by ClinVar (database versions not stated): 1000 Genomes Project 30x 0.83651; 1000 Genomes Project 0.83706; gnomAD 0.86581 and 0.86849; TOPMed 0.86881.
gnomAD v4.1: 131,528 of 151,964 alleles (87%); highest among the groups gnomAD compares: East Asian, 91%; 57,015 homozygotes.

Submission:

GeneDx
Classification: Benign. Last evaluated: 2018-06-14. Review status: criteria provided, single submitter. Criteria: GeneDx Variant Classification (06012015). Collection method: clinical testing. Allele origin: germline. Affected: yes.
Comment: This variant is considered likely benign or benign based on one or more of the following criteria: it is a conservative change, it occurs at a poorly conserved position in the protein, it is predicted to be benign by multiple in silico algorithms, and/or has population frequency not consistent with disease.